The following is an entry in ClinVar:

ClinVar aggregate classification (germline): Likely benign. Review status: criteria provided, multiple submitters, no conflicts (2 of 4 stars). 2 submissions from 2 submitters: Likely benign (2). Last evaluated 2023-03-01.

Allele frequency attached by ClinVar (database versions not stated): ExAC 0.00004; gnomAD exomes 0.00009 and 0.00015; TOPMed 0.00011; gnomAD 0.00016 and 0.00017; 1000 Genomes Project 0.00020; 1000 Genomes Project 30x 0.00031; ESP Exome Variant Server 0.00031.
gnomAD v4.1: 252 of 1,611,636 alleles (0.016%); highest among the groups gnomAD compares: Non-Finnish European, 0.019%; no homozygotes.

Submissions (2):

CeGaT Center for Human Genetics Tuebingen
Classification: Likely benign. Last evaluated: 2023-03-01. Review status: criteria provided, single submitter. Criteria: CeGaT Center For Human Genetics Tuebingen Variant Classification Criteria Version 2. Collection method: clinical testing. Allele origin: germline. Affected: yes. Observed: 1 variant allele.
Comment: LHB: BP4, BP7

Labcorp Genetics (formerly Invitae), Labcorp
Classification: Likely benign. Last evaluated: 2018-10-23. Review status: criteria provided, single submitter. Criteria: Invitae Variant Classification Sherloc (09022015). Collection method: clinical testing. Allele origin: germline.

NM_000894.3(LHB):c.210G>A (p.Pro70=)

Gene: LHB (luteinizing hormone subunit beta; minus strand). Cytogenetic location: 19q13.33.
Variant type: single nucleotide variant.
Coding change: c.210G>A on transcript NM_000894.3 (MANE Select); coding-DNA position 210, G replaced by A.
Protein change: p.Pro70=; no amino-acid change (proline 70 retained).
Molecular consequence: synonymous variant.
Genome position (GRCh38, 1-based): chr19:49,016,284, C>T on the plus strand (G>A on the coding strand, the complement: LHB is on the minus strand). VCF-style: chr19-49016284-C-T. GRCh37 (hg19) VCF-style: chr19-49519541-C-T.
Identifiers: ClinVar variation 759653 (VCV000759653.31), dbSNP rs150768493, ClinGen allele CA9564327.